The following is an entry in ClinVar:

ClinVar aggregate classification (germline): Likely pathogenic (1 of 4 stars; one submission).

Conditions:
TTN-related disorder. Also called: TTN-related condition; TTN-related disease; TTN-related disorders.

Submission:

PreventionGenetics, part of Exact Sciences
Classification: Likely pathogenic for TTN-related condition. Last evaluated: 2023-04-30. Review status: criteria provided, single submitter. Criteria: ACMG Guidelines, 2015. Collection method: clinical testing. Allele origin: germline.
Comment: The TTN c.12523C>T variant is predicted to result in premature protein termination (p.Gln4175*). This variant is located in the TTN protein I-band region and many other protein truncating variants in this exon have been previously reported in individuals with dilated cardiomyopathy and early onset atrial fibrillation (Human Gene Mutation Database; Roberts A.M. et al. 2015. PubMed ID: 25589632). RNAseq studies from heart tissue indicate this exon is commonly included in TTN mRNA transcripts (PSI of 95%-100%, Roberts A.M. et al. 2015. PMID: 25589632). TTN truncating variants in the heterozygous state have been reported in presumably healthy individuals, but occur more frequently in exons with low PSI values (Roberts A.M. et al. 2015. PMID: 25589632; Herman D.S. et al. 2012. PMID: 22335739). However, many cases of recessive TTN-related myopathies in which the individual is compound heterozygous for two loss of function variants (regardless of PSI value) in TTN have also been reported (See Ceyhan-Birsoy O. et al. 2013. PMID: 23975875; Chauveau C et al. 2014. PMID: 24105469; Evilä A et al. 2016. PMID: 27796757; Ge et al. 2019. PubMed ID: 31053406). In summary, the c.12523C>T variant is likely pathogenic for recessive and dominant TTN-related disorders. Of note, TTN truncating variants show incomplete and age-dependent penetrance in regards to autosomal dominant dilated cardiomyopathy. ACMG has recommended the reporting of TTN truncating variants in highly expressed exons due to the significant risk of cardiomyopathy (see ACMG statement in Miller et al. 2021. PubMed ID: 34012068).

NM_001267550.2(TTN):c.12523C>T (p.Gln4175Ter)

Gene: TTN (titin; minus strand). Cytogenetic location: 2q31.2.
Variant type: single nucleotide variant.
Coding change: c.12523C>T on transcript NM_001267550.2 (MANE Select); coding-DNA position 12523, C replaced by T.
Protein change: p.Gln4175Ter; replaces glutamine 4175 with a stop codon.
Molecular consequence: nonsense. On other transcripts: intron variant (1).
Genome position (GRCh38, 1-based): chr2:178,740,710, G>A on the plus strand (C>T on the coding strand, the complement: TTN is on the minus strand). VCF-style: chr2-178740710-G-A. GRCh37 (hg19) VCF-style: chr2-179605437-G-A.
Other names: c.11572C>T, p.Gln3858Ter (NM_001256850.1); c.11434C>T, p.Gln3812Ter (NM_003319.4); c.11809C>T, p.Gln3937Ter (NM_133432.3); c.12010C>T, p.Gln4004Ter (NM_133437.4); c.10361-2350C>T (NM_133378.4); short protein forms Q3812*, Q3858*, Q3937*, Q4004*, Q4175*.
Identifiers: ClinVar variation 2633651 (VCV002633651.1), dbSNP rs2530677969, ClinGen allele CA349614760.
Genomic context (GRCh38, chr2:178,740,710, plus strand): 5'-TAATTTGTTCTATGGACATGGCACTTGGGAAGATTTTCTCGGTATCTGATAGAACTGCCT[G>A]TGTCTCAGGCTCTTCAGGCATTAGAATACCTTCTTTGGAGAAGGTTTTCTGGGACTGTAC-3'